The following is an entry in ClinVar:

NM_001130969.3(NSMF):c.1401G>A (p.Gly467=)

Genes: NSMF (NMDA receptor synaptonuclear signaling and neuronal migration factor; minus strand), LOC126860797 (MED14-independent group 3 enhancer GRCh37_chr9:140343721-140344920; plus strand). Cytogenetic location: 9q34.3.
Variant type: single nucleotide variant.
Coding change: c.1401G>A on transcript NM_001130969.3 (MANE Select); coding-DNA position 1401, G replaced by A.
Protein change: p.Gly467=; no amino-acid change (glycine 467 retained).
Molecular consequence: synonymous variant.
Genome position (GRCh38, 1-based): chr9:137,449,941, C>T on the plus strand (G>A on the coding strand, the complement: NSMF is on the minus strand). VCF-style: chr9-137449941-C-T. GRCh37 (hg19) VCF-style: chr9-140344393-C-T.
Other names: c.1401G>A (NM_001130969.1); c.1332G>A, p.Gly444= (NM_001130970.2); c.1326G>A, p.Gly442= (NM_001130971.2); c.1311G>A, p.Gly437= (NM_001178064.2); c.1395G>A, p.Gly465= (NM_015537.5).
Identifiers: ClinVar variation 1193385 (VCV001193385.7), dbSNP rs199663813, ClinGen allele CA5370011.

ClinVar aggregate classification (germline): Benign/Likely benign. Review status: criteria provided, multiple submitters, no conflicts (2 of 4 stars). 3 submissions from 3 submitters: Benign (1); Likely benign (2). Last evaluated 2024-10-03.

Conditions:
NSMF-related disorder. Also called: NSMF-related condition.

Allele frequency attached by ClinVar (database versions not stated): TOPMed 0.00006; gnomAD 0.00019; gnomAD exomes 0.00024 and 0.00043; ExAC 0.00050; 1000 Genomes Project 0.00160; 1000 Genomes Project 30x 0.00172.
gnomAD v4.1: 385 of 1,613,078 alleles (0.024%); highest among the groups gnomAD compares: South Asian, 0.4%; 8 homozygotes.

Submissions (3):

PreventionGenetics, part of Exact Sciences
Classification: Likely benign for NSMF-related condition. Last evaluated: 2024-10-03. Review status: criteria provided, single submitter. Criteria: ACMG Guidelines, 2015. Collection method: clinical testing. Allele origin: germline.
Comment: This variant is classified as likely benign based on ACMG/AMP sequence variant interpretation guidelines (Richards et al. 2015 PMID: 25741868, with internal and published modifications).

GeneDx
Classification: Likely benign. Last evaluated: 2021-03-05. Review status: criteria provided, single submitter. Criteria: GeneDx Variant Classification Process June 2021. Collection method: clinical testing. Allele origin: germline. Affected: yes.

Genetic Services Laboratory, University of Chicago
Classification: Benign. Last evaluated: 2020-08-19. Review status: criteria provided, single submitter. Criteria: ACMG Guidelines, 2015. Collection method: clinical testing. Allele origin: germline. Affected: no.